The following is an entry in ClinVar:

ClinVar aggregate classification (germline): Uncertain significance (1 of 4 stars; one submission).

Submission:

Labcorp Genetics (formerly Invitae), Labcorp
Classification: Uncertain significance. Last evaluated: 2021-03-26. Review status: criteria provided, single submitter. Criteria: Invitae Variant Classification Sherloc (09022015). Collection method: clinical testing. Allele origin: germline.
Comment: This variant is not present in population databases (ExAC no frequency). This sequence change replaces arginine with proline at codon 363 of the PAFAH1B1 protein (p.Arg363Pro). The arginine residue is highly conserved and there is a moderate physicochemical difference between arginine and proline. This variant has not been reported in the literature in individuals with PAFAH1B1-related conditions. In summary, the available evidence is currently insufficient to determine the role of this variant in disease. Therefore, it has been classified as a Variant of Uncertain Significance. Algorithms developed to predict the effect of missense changes on protein structure and function (SIFT, PolyPhen-2, Align-GVGD) all suggest that this variant is likely to be disruptive, but these predictions have not been confirmed by published functional studies and their clinical significance is uncertain.

NM_000430.4(PAFAH1B1):c.1088G>C (p.Arg363Pro)

Gene: PAFAH1B1 (platelet activating factor acetylhydrolase 1b regulatory subunit 1; plus strand). Cytogenetic location: 17p13.3.
Variant type: single nucleotide variant.
Coding change: c.1088G>C on transcript NM_000430.4 (MANE Select); coding-DNA position 1088, G replaced by C.
Protein change: p.Arg363Pro; replaces arginine 363 with proline.
Molecular consequence: missense variant.
Genome position (GRCh38, 1-based): chr17:2,680,249, G>C. VCF-style: chr17-2680249-G-C. GRCh37 (hg19) VCF-style: chr17-2583543-G-C.
Other names: short protein forms R363P.
Identifiers: ClinVar variation 1409737 (VCV001409737.8), dbSNP rs2151673957, ClinGen allele CA397642590.